The following is an entry in ClinVar:

NM_201384.3(PLEC):c.10394T>C (p.Leu3465Pro)

Gene: PLEC (plectin; minus strand). Cytogenetic location: 8q24.3.
Variant type: single nucleotide variant.
Coding change: c.10394T>C on transcript NM_201384.3 (MANE Select); coding-DNA position 10394, T replaced by C.
Protein change: p.Leu3465Pro; replaces leucine 3465 with proline.
Molecular consequence: missense variant.
Genome position (GRCh38, 1-based): chr8:143,919,427, A>G on the plus strand (T>C on the coding strand, the complement: PLEC is on the minus strand). VCF-style: chr8-143919427-A-G. GRCh37 (hg19) VCF-style: chr8-144993595-A-G.
Other names: c.10298T>C, p.Leu3433Pro (NM_201381.3); c.10394T>C, p.Leu3465Pro (NM_201382.4); c.10406T>C, p.Leu3469Pro (NM_201383.3); c.10475T>C, p.Leu3492Pro (NM_000445.5); c.7094T>C, p.Leu2365Pro (NM_001410941.1); c.10352T>C, p.Leu3451Pro (NM_201378.4); c.10328T>C, p.Leu3443Pro (NM_201379.3); c.10805T>C, p.Leu3602Pro (NM_201380.4); short protein forms L2365P, L3433P, L3443P, L3451P, L3465P, L3469P, L3492P, L3602P.
Identifiers: ClinVar variation 3758480 (VCV003758480.2).

ClinVar aggregate classification (germline): Uncertain significance (1 of 4 stars; one submission).

Conditions:
Epidermolysis bullosa simplex with nail dystrophy (EBS5D). Identifiers: MedGen C4225309, MONDO:0014661, OMIM 616487.
Epidermolysis bullosa simplex, Ogna type (EBS5A). Also called: Pidermolysis bullosa simplex 5A, Ogna type; EPIDERMOLYSIS BULLOSA SIMPLEX 5A, OGNA TYPE. Identifiers: Orphanet 79401, MedGen C0432317, MONDO:0007555, OMIM 131950.
Autosomal recessive limb-girdle muscular dystrophy type 2Q (LGMDR17). Also called: MUSCULAR DYSTROPHY, LIMB-GIRDLE, AUTOSOMAL RECESSIVE 17. Identifiers: Orphanet 254361, MedGen C3150989, MONDO:0013390, OMIM 613723.
Epidermolysis bullosa simplex 5B, with muscular dystrophy (EBS5B). Also called: EPIDERMOLYSIS BULLOSA SIMPLEX AND LIMB-GIRDLE MUSCULAR DYSTROPHY; Epidermolysis bullosa simplex with muscular dystrophy. Identifiers: Orphanet 257, MedGen C2931072, MONDO:0009181, OMIM 226670.
Epidermolysis bullosa simplex 5C, with pyloric atresia (EBS5C). Also called: PLEC-Related Epidermolysis Bullosa with Pyloric Atresia; Epidermolysis bullosa simplex with pyloric atresia; PLEC1-Related Epidermolysis Bullosa with Pyloric Atresia. Identifiers: Orphanet 158684, MedGen C2677349, MONDO:0012807, OMIM 612138.

Submission:

Labcorp Genetics (formerly Invitae), Labcorp
Classification: Uncertain significance for Autosomal recessive limb-girdle muscular dystrophy type 2Q; Epidermolysis bullosa simplex, Ogna type; Epidermolysis bullosa simplex with nail dystrophy; Epidermolysis bullosa simplex 5C, with pyloric atresia; Epidermolysis bullosa simplex 5B, with muscular dystrophy. Last evaluated: 2024-12-20. Review status: criteria provided, single submitter. Criteria: Invitae Variant Classification Sherloc (09022015). Collection method: clinical testing. Allele origin: germline.
Comment: This sequence change replaces leucine, which is neutral and non-polar, with proline, which is neutral and non-polar, at codon 3492 of the PLEC protein (p.Leu3492Pro). This variant is not present in population databases (gnomAD no frequency). This variant has not been reported in the literature in individuals affected with PLEC-related conditions. Invitae Evidence Modeling of protein sequence and biophysical properties (such as structural, functional, and spatial information, amino acid conservation, physicochemical variation, residue mobility, and thermodynamic stability) indicates that this missense variant is not expected to disrupt PLEC protein function with a negative predictive value of 80%. In summary, the available evidence is currently insufficient to determine the role of this variant in disease. Therefore, it has been classified as a Variant of Uncertain Significance.